The following is an entry in ClinVar:

NM_001042492.3(NF1):c.2246_2251+8del

Gene: NF1 (neurofibromin 1; plus strand). Cytogenetic location: 17q11.2.
Variant type: Deletion.
Coding change: c.2246_2251+8del on transcript NM_001042492.3 (MANE Select); coding-DNA position 2246 through 8 bases into the intron after coding-DNA position 2251, 14 bases deleted (CAACAGGTAAATGT).
Molecular consequence: splice donor variant.
Genome position (GRCh38, 1-based): chr17:31,226,679-31,226,692, CAACAGGTAAATGT deleted; deleting any 14 consecutive bases within chr17:31,226,675-31,226,692 gives the same sequence; the c. name uses the placement nearest the transcript's 3' end. VCF-style (leftmost placement, unchanged base first): chr17-31226674-GATGTCAACAGGTAA-G. GRCh37 (hg19) VCF-style: chr17-29553692-GATGTCAACAGGTAA-G.
Other names: c.2246_2251+8del (NM_000267.4).
Identifiers: ClinVar variation 4974587 (VCV004974587.1).

ClinVar aggregate classification (germline): Likely pathogenic (1 of 4 stars; one submission).

Conditions:
Neurofibromatosis, type 1 (NF1). Also called: VON RECKLINGHAUSEN DISEASE; NEUROFIBROMATOSIS, TYPE I, SOMATIC; Peripheral type neurofibromatosis; Neurofibromatosis, type I. Identifiers: Orphanet 636, MedGen C0027831, MONDO:0018975, OMIM 162200. Disease mechanism: loss of function.

Submission:

Clinical Genomics Laboratory, Washington University in St. Louis
Classification: Likely pathogenic for Neurofibromatosis, type 1. Last evaluated: 2025-10-20. Review status: criteria provided, single submitter. Criteria: Leon-Quintero et al. (Clin Genet. 2025). Collection method: clinical testing. Allele origin: somatic. Affected: yes.
Comment: An NF1 c.2246_2251+8del variant was identified at an allelic fraction consistent with somatic origin. This variant, to our knowledge, has not been reported in the medical literature or the ClinVar database. It is absent from the general population (gnomAD v4.1.0), indicating it is not a common variant. The NF1 c.2246_2251+8del variant abolishes the canonical donor splice site, which is predicted to cause skipping of the exon, leading to an out of frame transcript. Based on available information and an internally developed protocol informed by the ACMG/AMP guidelines for variant interpretation and gene-specific practices from the ClinGen Criteria Specification Registry (Leon-Quintero FZ et al., PMID: 39434542), the c.2246_2251+8del variant is classified as likely pathogenic.